The following is an entry in ClinVar:

ClinVar aggregate classification (germline): Uncertain significance (1 of 4 stars; one submission).

Submission:

Labcorp Genetics (formerly Invitae), Labcorp
Classification: Uncertain significance. Last evaluated: 2023-03-08. Review status: criteria provided, single submitter. Criteria: Invitae Variant Classification Sherloc (09022015). Collection method: clinical testing. Allele origin: germline.
Comment: This sequence change replaces arginine, which is basic and polar, with methionine, which is neutral and non-polar, at codon 3768 of the KMT2A protein (p.Arg3768Met). This variant is not present in population databases (gnomAD no frequency). This variant has not been reported in the literature in individuals affected with KMT2A-related conditions. Advanced modeling of protein sequence and biophysical properties (such as structural, functional, and spatial information, amino acid conservation, physicochemical variation, residue mobility, and thermodynamic stability) performed at Invitae indicates that this missense variant is expected to disrupt KMT2A protein function. In summary, the available evidence is currently insufficient to determine the role of this variant in disease. Therefore, it has been classified as a Variant of Uncertain Significance.

NM_001197104.2(KMT2A):c.11303G>T (p.Arg3768Met)

Genes: KMT2A (lysine methyltransferase 2A; plus strand), TTC36-AS1 (TTC36 and KMT2A antisense RNA 1; minus strand). Cytogenetic location: 11q23.3.
Variant type: single nucleotide variant.
Coding change: c.11303G>T on transcript NM_001197104.2 (MANE Select); coding-DNA position 11303, G replaced by T.
Protein change: p.Arg3768Met; replaces arginine 3768 with methionine.
Molecular consequence: missense variant.
Genome position (GRCh38, 1-based): chr11:118,519,774, G>T. VCF-style: chr11-118519774-G-T. GRCh37 (hg19) VCF-style: chr11-118390489-G-T.
Other names: c.11393G>T, p.Arg3798Met (NM_001412597.1); c.11294G>T, p.Arg3765Met (NM_005933.4); short protein forms R3768M, R3798M, R3765M.
Identifiers: ClinVar variation 2843982 (VCV002843982.3), dbSNP rs2135284001, ClinGen allele CA382833151.